The following is an entry in ClinVar:

ClinVar aggregate classification (germline): Uncertain significance. Review status: criteria provided, multiple submitters, no conflicts (2 of 4 stars). 2 submissions from 2 submitters: Uncertain significance (2). Last evaluated 2020-12-13.

Conditions:
Autosomal dominant hypocalcemia 1 (HYPOC1). Also called: HYPOCALCEMIA, FAMILIAL. Identifiers: MedGen C3715128, MONDO:0011013, OMIM 601198.
Familial hypocalciuric hypercalcemia (FHH). Also called: Familial benign hypercalcemia. Identifiers: Orphanet 405, MedGen C1809471, MONDO:0018458.

Allele frequency attached by ClinVar (database versions not stated): gnomAD exomes below 0.00001.
gnomAD v4.1: 1 of 1,614,106 alleles (0.000062%); highest among the groups gnomAD compares: Non-Finnish European, 0.000085%; no homozygotes.

Submissions (2):

Labcorp Genetics (formerly Invitae), Labcorp
Classification: Uncertain significance for Familial hypocalciuric hypercalcemia; Autosomal dominant hypocalcemia 1. Last evaluated: 2020-12-13. Review status: criteria provided, single submitter. Criteria: Invitae Variant Classification Sherloc (09022015). Collection method: clinical testing. Allele origin: germline.
Comment: In summary, the available evidence is currently insufficient to determine the role of this variant in disease. Therefore, it has been classified as a Variant of Uncertain Significance. Algorithms developed to predict the effect of missense changes on protein structure and function (SIFT, PolyPhen-2, Align-GVGD) all suggest that this variant is likely to be disruptive, but these predictions have not been confirmed by published functional studies and their clinical significance is uncertain. This variant has not been reported in the literature in individuals with CASR-related conditions. ClinVar contains an entry for this variant (Variation ID: 954700). This variant is not present in population databases (ExAC no frequency). This sequence change replaces serine with arginine at codon 687 of the CASR protein (p.Ser687Arg). The serine residue is highly conserved and there is a moderate physicochemical difference between serine and arginine.

Athena Diagnostics
Classification: Uncertain significance. Last evaluated: 2020-03-23. Review status: criteria provided, single submitter. Criteria: Athena Diagnostics Criteria. Collection method: clinical testing. Allele origin: unknown.

NM_000388.4(CASR):c.2061C>A (p.Ser687Arg)

Gene: CASR (calcium sensing receptor; plus strand). Cytogenetic location: 3q21.1.
Variant type: single nucleotide variant.
Coding change: c.2061C>A on transcript NM_000388.4 (MANE Select); coding-DNA position 2061, C replaced by A.
Protein change: p.Ser687Arg; replaces serine 687 with arginine.
Molecular consequence: missense variant.
Genome position (GRCh38, 1-based): chr3:122,284,015, C>A. VCF-style: chr3-122284015-C-A. GRCh37 (hg19) VCF-style: chr3-122002862-C-A.
Other names: c.2091C>A, p.Ser697Arg (NM_001178065.2); short protein forms S697R, S687R.
Identifiers: ClinVar variation 954700 (VCV000954700.11), dbSNP rs2074930161, ClinGen allele CA354158406.
Genomic context (GRCh38, chr3:122,284,015, plus strand): 5'-CTTCATCGGGGAGCCCCAGGACTGGACGTGCCGCCTGCGCCAGCCGGCCTTTGGCATCAG[C>A]TTCGTGCTCTGCATCTCATGCATCCTGGTGAAAACCAACCGTGTCCTCCTGGTGTTTGAG-3'
Protein context (NP_000379.3, residues 677-697): CRLRQPAFGI[Ser687Arg]FVLCISCILV